The following is an entry in ClinVar:

NM_201384.3(PLEC):c.9380G>A (p.Arg3127Gln)

Gene: PLEC (plectin; minus strand). Cytogenetic location: 8q24.3.
Variant type: single nucleotide variant.
Coding change: c.9380G>A on transcript NM_201384.3 (MANE Select); coding-DNA position 9380, G replaced by A.
Protein change: p.Arg3127Gln; replaces arginine 3127 with glutamine.
Molecular consequence: missense variant.
Genome position (GRCh38, 1-based): chr8:143,920,441, C>T on the plus strand (G>A on the coding strand, the complement: PLEC is on the minus strand). VCF-style: chr8-143920441-C-T. GRCh37 (hg19) VCF-style: chr8-144994609-C-T.
Other names: c.9461G>A, p.Arg3154Gln (NM_000445.5); c.9338G>A, p.Arg3113Gln (NM_201378.4); c.9314G>A, p.Arg3105Gln (NM_201379.3); c.9791G>A, p.Arg3264Gln (NM_201380.4); c.9284G>A, p.Arg3095Gln (NM_201381.3); c.9380G>A, p.Arg3127Gln (NM_201382.4); c.9392G>A, p.Arg3131Gln (NM_201383.3); short protein forms R3105Q, R3113Q, R3127Q, R3264Q, R3154Q, R3095Q, R3131Q.
Identifiers: ClinVar variation 471673 (VCV000471673.11), dbSNP rs552993354, ClinGen allele CA4924988.

ClinVar aggregate classification (germline): Uncertain significance. Review status: criteria provided, multiple submitters, no conflicts (2 of 4 stars). 3 submissions from 3 submitters: Uncertain significance (3). Last evaluated 2025-10-02.

Conditions:
PLEC-related disorder. Also called: PLEC-related disorders; PLEC-related condition.
Autosomal recessive limb-girdle muscular dystrophy type 2Q (LGMDR17). Also called: MUSCULAR DYSTROPHY, LIMB-GIRDLE, AUTOSOMAL RECESSIVE 17. Identifiers: Orphanet 254361, MedGen C3150989, MONDO:0013390, OMIM 613723.
Epidermolysis bullosa simplex with nail dystrophy (EBS5D). Identifiers: MedGen C4225309, MONDO:0014661, OMIM 616487.
Epidermolysis bullosa simplex 5C, with pyloric atresia (EBS5C). Also called: PLEC-Related Epidermolysis Bullosa with Pyloric Atresia; Epidermolysis bullosa simplex with pyloric atresia; PLEC1-Related Epidermolysis Bullosa with Pyloric Atresia. Identifiers: Orphanet 158684, MedGen C2677349, MONDO:0012807, OMIM 612138.
Epidermolysis bullosa simplex, Ogna type (EBS5A). Also called: Pidermolysis bullosa simplex 5A, Ogna type; EPIDERMOLYSIS BULLOSA SIMPLEX 5A, OGNA TYPE. Identifiers: Orphanet 79401, MedGen C0432317, MONDO:0007555, OMIM 131950.
Epidermolysis bullosa simplex 5B, with muscular dystrophy (EBS5B). Also called: EPIDERMOLYSIS BULLOSA SIMPLEX AND LIMB-GIRDLE MUSCULAR DYSTROPHY; Epidermolysis bullosa simplex with muscular dystrophy. Identifiers: Orphanet 257, MedGen C2931072, MONDO:0009181, OMIM 226670.
Junctional epidermolysis bullosa with pyloric atresia. Also called: EPIDERMOLYSIS BULLOSA, JUNCTIONAL 5B, WITH PYLORIC ATRESIA; Junctional Epidermolysis Bullosa- Pyloric Atresia Syndrome; APLASIA CUTIS CONGENITA WITH GASTROINTESTINAL ATRESIA; CARMI SYNDROME; EB-PA-ACC; ITGB4-Related Epidermolysis Bullosa with Pyloric Atresia. Identifiers: Orphanet 79403, MedGen C5676875, MONDO:0009183, OMIM 226730.

Allele frequency attached by ClinVar (database versions not stated): gnomAD exomes below 0.00001 and 0.00002; ExAC 0.00001; gnomAD 0.00001; TOPMed 0.00001; 1000 Genomes Project 30x 0.00016; 1000 Genomes Project 0.00020.
gnomAD v4.1: 24 of 1,599,366 alleles (0.0015%); highest among the groups gnomAD compares: African/African-American, 0.0027%; no homozygotes.

Submissions (3):

Labcorp Genetics (formerly Invitae), Labcorp
Classification: Uncertain significance for Autosomal recessive limb-girdle muscular dystrophy type 2Q; Epidermolysis bullosa simplex, Ogna type; Epidermolysis bullosa simplex with nail dystrophy; Epidermolysis bullosa simplex 5C, with pyloric atresia; Epidermolysis bullosa simplex 5B, with muscular dystrophy. Last evaluated: 2025-10-02. Review status: criteria provided, single submitter. Criteria: Invitae Variant Classification Sherloc (09022015). Collection method: clinical testing. Allele origin: germline.
Comment: This sequence change replaces arginine, which is basic and polar, with glutamine, which is neutral and polar, at codon 3154 of the PLEC protein (p.Arg3154Gln). This variant is present in population databases (rs552993354, gnomAD 0.009%). This variant has not been reported in the literature in individuals affected with PLEC-related conditions. ClinVar contains an entry for this variant (Variation ID: 471673). An algorithm developed to predict the effect of missense changes on protein structure and function (PolyPhen-2) suggests that this variant is likely to be disruptive. In summary, the available evidence is currently insufficient to determine the role of this variant in disease. Therefore, it has been classified as a Variant of Uncertain Significance.

PreventionGenetics, part of Exact Sciences
Classification: Uncertain significance for PLEC-related condition. Last evaluated: 2025-03-12. Review status: criteria provided, single submitter. Criteria: ACMG Guidelines, 2015. Collection method: clinical testing. Allele origin: germline.
Comment: The PLEC c.9461G>A variant is predicted to result in the amino acid substitution p.Arg3154Gln. To our knowledge, this variant has not been reported in the literature. This variant is reported in 0.0086% of alleles in individuals of African descent in gnomAD. At this time, the clinical significance of this variant is uncertain due to the absence of conclusive functional and genetic evidence.

Fulgent Genetics
Classification: Uncertain significance for Epidermolysis bullosa simplex, Ogna type; Epidermolysis bullosa simplex 5B, with muscular dystrophy; Junctional epidermolysis bullosa with pyloric atresia; Epidermolysis bullosa simplex 5C, with pyloric atresia; Autosomal recessive limb-girdle muscular dystrophy type 2Q; Epidermolysis bullosa simplex with nail dystrophy. Last evaluated: 2022-01-21. Review status: criteria provided, single submitter. Criteria: ACMG Guidelines, 2015. Collection method: clinical testing. Allele origin: unknown.